The following is an entry in ClinVar:

NM_000051.4(ATM):c.6266A>G (p.Lys2089Arg)

Genes: ATM (ATM serine/threonine kinase; plus strand), C11orf65 (chromosome 11 open reading frame 65; minus strand). Cytogenetic location: 11q22.3.
Variant type: single nucleotide variant.
Coding change: c.6266A>G on transcript NM_000051.4 (MANE Select); coding-DNA position 6266, A replaced by G.
Protein change: p.Lys2089Arg; replaces lysine 2089 with arginine.
Molecular consequence: missense variant. On other transcripts: intron variant (2).
Genome position (GRCh38, 1-based): chr11:108,317,440, A>G. VCF-style: chr11-108317440-A-G. GRCh37 (hg19) VCF-style: chr11-108188167-A-G.
Other names: c.6266A>G, p.Lys2089Arg (NM_001351834.2); c.641-8369T>C (NM_001330368.2); c.*39-8369T>C (NM_001351110.2); short protein forms K2089R.
Identifiers: ClinVar variation 3325367 (VCV003325367.1).

ClinVar aggregate classification (germline): Uncertain significance (1 of 4 stars; one submission).

Conditions:
Hereditary cancer-predisposing syndrome. Also called: Neoplastic Syndromes, Hereditary; Tumor predisposition; Hereditary Cancer Syndrome; Hereditary neoplastic syndrome. Identifiers: Orphanet 140162, MedGen C0027672, MeSH D009386, MONDO:0015356.

Submission:

Ambry Genetics
Classification: Uncertain significance for Hereditary cancer-predisposing syndrome. Last evaluated: 2024-04-07. Review status: criteria provided, single submitter. Criteria: Ambry Variant Classification Scheme 2023. Collection method: clinical testing. Allele origin: germline.
Comment: The p.K2089R variant (also known as c.6266A>G), located in coding exon 42 of the ATM gene, results from an A to G substitution at nucleotide position 6266. The lysine at codon 2089 is replaced by arginine, an amino acid with highly similar properties. This amino acid position is conserved. In addition, this alteration is predicted to be tolerated by in silico analysis. Based on the available evidence, the clinical significance of this variant remains unclear.